The following is an entry in ClinVar:

NM_004415.4(DSP):c.2564A>T (p.Lys855Met)

Gene: DSP (desmoplakin; plus strand). Cytogenetic location: 6p24.3.
Variant type: single nucleotide variant.
Coding change: c.2564A>T on transcript NM_004415.4 (MANE Select); coding-DNA position 2564, A replaced by T.
Protein change: p.Lys855Met; replaces lysine 855 with methionine.
Molecular consequence: missense variant.
Genome position (GRCh38, 1-based): chr6:7,575,422, A>T. VCF-style: chr6-7575422-A-T. GRCh37 (hg19) VCF-style: chr6-7575655-A-T.
Other names: c.2564A>T, p.Lys855Met (NM_001008844.3, NM_001319034.2); short protein forms K855M.
Identifiers: ClinVar variation 1396907 (VCV001396907.6), dbSNP rs2113685253, ClinGen allele CA362681619.
Genomic context (GRCh38, chr6:7,575,422, plus strand): 5'-CCCAGCAGATCCACTCTCAGACTTCACAGCAGTATCCACTTTATGATCTGGACTTGGGCA[A>T]GTTCGGTGAAAAAGTCACACAGCTGACAGACCGCTGGCAAAGGATAGATAAACAGATCGA-3'
Protein context (NP_004406.2, residues 845-865): QYPLYDLDLG[Lys855Met]FGEKVTQLTD

ClinVar aggregate classification (germline): Uncertain significance (1 of 4 stars; one submission).

Conditions:
Arrhythmogenic cardiomyopathy with wooly hair and keratoderma. Also called: Dilated cardiomyopathy with woolly hair and keratoderma; Arrhythmogenic cardiomyopathy with woolly hair and keratoderma; PALMOPLANTAR KERATODERMA WITH LEFT VENTRICULAR CARDIOMYOPATHY AND WOOLLY HAIR; Carvajal syndrome. Identifiers: Orphanet 65282, MedGen C1854063, MONDO:0011581, OMIM 605676.
Arrhythmogenic right ventricular dysplasia 8 (ARVD8). Also called: Arrhythmogenic Right Ventricular Dysplasia/Cardiomyopathy 8; ARRHYTHMOGENIC RIGHT VENTRICULAR DYSPLASIA, FAMILIAL, 8; ARRHYTHMOGENIC RIGHT VENTRICULAR CARDIOMYOPATHY 8. Identifiers: MedGen C1843896, MONDO:0011831, OMIM 607450.

Submission:

Labcorp Genetics (formerly Invitae), Labcorp
Classification: Uncertain significance for Arrhythmogenic cardiomyopathy with wooly hair and keratoderma; Arrhythmogenic right ventricular dysplasia 8. Last evaluated: 2021-12-13. Review status: criteria provided, single submitter. Criteria: Invitae Variant Classification Sherloc (09022015). Collection method: clinical testing. Allele origin: germline.
Comment: In summary, the available evidence is currently insufficient to determine the role of this variant in disease. Therefore, it has been classified as a Variant of Uncertain Significance. Algorithms developed to predict the effect of missense changes on protein structure and function are either unavailable or do not agree on the potential impact of this missense change (SIFT: "Deleterious"; PolyPhen-2: "Probably Damaging"; Align-GVGD: "Class C15"). This variant has not been reported in the literature in individuals affected with DSP-related conditions. This variant is not present in population databases (gnomAD no frequency). This sequence change replaces lysine, which is basic and polar, with methionine, which is neutral and non-polar, at codon 855 of the DSP protein (p.Lys855Met).